The following is an entry in ClinVar:

ClinVar aggregate classification (germline): Uncertain significance. Review status: criteria provided, multiple submitters, no conflicts (2 of 4 stars). 2 submissions from 2 submitters: Uncertain significance (2). Last evaluated 2025-06-09.

Conditions:
Inborn genetic diseases. Identifiers: MedGen C0950123, MeSH D030342.

Allele frequency attached by ClinVar (database versions not stated): TOPMed 0.00004; gnomAD exomes 0.00001; ExAC 0.00002; gnomAD 0.00002; ESP Exome Variant Server 0.00008.
gnomAD v4.1: 23 of 1,614,092 alleles (0.0014%); highest among the groups gnomAD compares: South Asian, 0.0055%; no homozygotes.

Submissions (2):

Ambry Genetics
Classification: Uncertain significance for Inborn genetic diseases. Last evaluated: 2025-06-09. Review status: criteria provided, single submitter. Criteria: Ambry Variant Classification Scheme 2023. Collection method: clinical testing. Allele origin: germline.

Labcorp Genetics (formerly Invitae), Labcorp
Classification: Uncertain significance. Last evaluated: 2022-04-22. Review status: criteria provided, single submitter. Criteria: Invitae Variant Classification Sherloc (09022015). Collection method: clinical testing. Allele origin: germline.
Comment: This sequence change replaces arginine, which is basic and polar, with tryptophan, which is neutral and slightly polar, at codon 2203 of the SZT2 protein (p.Arg2203Trp). This variant is present in population databases (rs371634115, gnomAD 0.006%). This variant has not been reported in the literature in individuals affected with SZT2-related conditions. ClinVar contains an entry for this variant (Variation ID: 942161). Algorithms developed to predict the effect of missense changes on protein structure and function are either unavailable or do not agree on the potential impact of this missense change (SIFT: "Deleterious"; PolyPhen-2: "Benign"; Align-GVGD: "Class C25"). In summary, the available evidence is currently insufficient to determine the role of this variant in disease. Therefore, it has been classified as a Variant of Uncertain Significance.

NM_001365999.1(SZT2):c.6778C>T (p.Arg2260Trp)

Gene: SZT2 (SZT2 subunit of KICSTOR complex; plus strand). Cytogenetic location: 1p34.2.
Variant type: single nucleotide variant.
Coding change: c.6778C>T on transcript NM_001365999.1 (MANE Select); coding-DNA position 6778, C replaced by T.
Protein change: p.Arg2260Trp; replaces arginine 2260 with tryptophan.
Molecular consequence: missense variant.
Genome position (GRCh38, 1-based): chr1:43,439,079, C>T. VCF-style: chr1-43439079-C-T. GRCh37 (hg19) VCF-style: chr1-43904750-C-T.
Other names: c.6607C>T, p.Arg2203Trp (NM_015284.4); short protein forms R2260W, R2203W.
Identifiers: ClinVar variation 942161 (VCV000942161.8), dbSNP rs371634115, ClinGen allele CA809995.